The following is an entry in ClinVar:

NM_005732.4(RAD50):c.1245+1G>A

Gene: RAD50 (RAD50 double strand break repair protein; plus strand). Cytogenetic location: 5q31.1.
Variant type: single nucleotide variant.
Coding change: c.1245+1G>A on transcript NM_005732.4 (MANE Select); the canonical splice donor site of the intron after coding-DNA position 1245, G replaced by A.
Molecular consequence: splice donor variant.
Genome position (GRCh38, 1-based): chr5:132,588,881, G>A. VCF-style: chr5-132588881-G-A. GRCh37 (hg19) VCF-style: chr5-131924573-G-A.
Identifiers: ClinVar variation 584474 (VCV000584474.15), dbSNP rs1561639636, ClinGen allele CA360943093.

ClinVar aggregate classification (germline): Pathogenic/Likely pathogenic. Review status: criteria provided, multiple submitters, no conflicts (2 of 4 stars). 4 submissions from 4 submitters: Pathogenic (1); Likely pathogenic (3). Last evaluated 2024-05-13.

Conditions:
Hereditary cancer-predisposing syndrome. Also called: Neoplastic Syndromes, Hereditary; Hereditary Cancer Syndrome; Tumor predisposition; Hereditary neoplastic syndrome. Identifiers: Orphanet 140162, MedGen C0027672, MeSH D009386, MONDO:0015356.
Nijmegen breakage syndrome-like disorder (NBSLD). Also called: MICROCEPHALY AND SPONTANEOUS CHROMOSOME INSTABILITY WITHOUT IMMUNODEFICIENCY; NBS-LIKE DISORDER; RAD50 DEFICIENCY. Identifiers: Orphanet 240760, MedGen C2751318, MONDO:0013118, OMIM 613078.

Allele frequency attached by ClinVar (database versions not stated): gnomAD exomes 0.00001.

Submissions (4):

Fulgent Genetics
Classification: Likely pathogenic for Nijmegen breakage syndrome-like disorder. Last evaluated: 2024-05-13. Review status: criteria provided, single submitter. Criteria: ACMG Guidelines, 2015. Collection method: clinical testing. Allele origin: germline.

Labcorp Genetics (formerly Invitae), Labcorp
Classification: Likely pathogenic for Hereditary cancer-predisposing syndrome. Last evaluated: 2023-08-16. Review status: criteria provided, single submitter. Criteria: Invitae Variant Classification Sherloc (09022015). Collection method: clinical testing. Allele origin: germline.
Comment: In summary, the currently available evidence indicates that the variant is pathogenic, but additional data are needed to prove that conclusively. Therefore, this variant has been classified as Likely Pathogenic. Algorithms developed to predict the effect of sequence changes on RNA splicing suggest that this variant may disrupt the consensus splice site. ClinVar contains an entry for this variant (Variation ID: 584474). Disruption of this splice site has been observed in individual(s) with clinical features of RAD50-related conditions (PMID: 31159747). This variant is not present in population databases (gnomAD no frequency). This sequence change affects a donor splice site in intron 8 of the RAD50 gene. It is expected to disrupt RNA splicing. Variants that disrupt the donor or acceptor splice site typically lead to a loss of protein function (PMID: 16199547), and loss-of-function variants in RAD50 are known to be pathogenic (PMID: 19409520).

Ambry Genetics
Classification: Likely pathogenic for Hereditary cancer-predisposing syndrome. Last evaluated: 2020-07-02. Review status: criteria provided, single submitter. Criteria: Ambry Variant Classification Scheme 2023. Collection method: clinical testing. Allele origin: germline.
Comment: The c.1245+1G>A intronic variant results from a G to A substitution one nucleotide after coding exon 8 of the RAD50 gene. This alteration has been reported in 1/1197 individuals from Greece, Romania, and Turkey undergoing evaluation for inherited cancer predisposition (Tsaousis GN et al. BMC Cancer, 2019 Jun;19:535). This nucleotide position is highly conserved in available vertebrate species. The ESE splice prediction software predicts that this alteration will abolish the native splice donor site. Using the Human Splicing Finder (HSF) splice site prediction tool, this alteration is predicted to weaken the native splice donor site; however, direct evidence is unavailable (Desmet FO et al. Nucleic Acids Res. 2009 May;37:e67). Alterations that disrupt the canonical splice site are expected to cause aberrant splicing, resulting in an abnormal protein or a transcript that is subject to nonsense-mediated mRNA decay. As such, this alteration is classified as likely pathogenic.

GeneKor MSA
Classification: Pathogenic. Last evaluated: 2020-01-01. Review status: criteria provided, single submitter. Criteria: ACMG Guidelines, 2015. Collection method: clinical testing. Allele origin: germline.
Comment: This sequence change occurs 1 nucleotides after exon 8 of the RAD50 gene. This position is highly conserved in the human and other genomes and is crucial in mRNA processing. This variant is expected to disrupt RNA splicing and likely results in an absent or disrupted protein product. Truncating variants in RAD50 are known to be pathogenic (PMID: 19409520, 16385572). Also, donor and acceptor splice site variants as usual lead to a loss of protein function (PMID: 16199547). This variant has been described in the international literature in an individual undergoing panel testing for hereditary syndrome (PMID: 31159747).

Literature cited by the submitters: PubMed 31159747 (cited by Labcorp Genetics (formerly Invitae), Labcorp and Ambry Genetics); PubMed 16199547 (cited by Labcorp Genetics (formerly Invitae), Labcorp); PubMed 19409520 (cited by Labcorp Genetics (formerly Invitae), Labcorp).